The following is an entry in ClinVar:

ClinVar aggregate classification (germline): Uncertain significance (1 of 4 stars; one submission).

Conditions:
Combined immunodeficiency due to ORAI1 deficiency. Also called: IMMUNODEFICIENCY 9. Identifiers: Orphanet 169090, Orphanet 317428, MedGen C2748568, MONDO:0013007, OMIM 612782.
Myopathy, tubular aggregate, 2 (TAM2). Identifiers: MedGen C4014557, MONDO:0014383, OMIM 615883.

Submission:

Labcorp Genetics (formerly Invitae), Labcorp
Classification: Uncertain significance for Myopathy, tubular aggregate, 2; Combined immunodeficiency due to ORAI1 deficiency. Last evaluated: 2025-09-30. Review status: criteria provided, single submitter. Criteria: Invitae Variant Classification Sherloc (09022015). Collection method: clinical testing. Allele origin: germline.
Comment: This sequence change replaces glutamic acid, which is acidic and polar, with glycine, which is neutral and non-polar, at codon 173 of the ORAI1 protein (p.Glu173Gly). This variant is not present in population databases (gnomAD no frequency). This variant has not been reported in the literature in individuals affected with ORAI1-related conditions. Experimental studies and prediction algorithms are not available or were not evaluated, and the functional significance of this variant is currently unknown. In summary, the available evidence is currently insufficient to determine the role of this variant in disease. Therefore, it has been classified as a Variant of Uncertain Significance.

NC_000012.12:g.121641255A>G

Gene: ORAI1 (ORAI calcium release-activated calcium modulator 1; plus strand). Cytogenetic location: 12q24.31.
Variant type: single nucleotide variant.
Molecular consequence: non-coding transcript variant (on NR_186857.1).
Genome position: GRCh38 VCF-style: chr12-121641255-A-G. GRCh37 (hg19) VCF-style: chr12-122079161-A-G.
Identifiers: ClinVar variation 4792901 (VCV004792901.1).